The following is an entry in ClinVar:

ClinVar aggregate classification (germline): Likely benign. Review status: criteria provided, multiple submitters, no conflicts (2 of 4 stars). 4 submissions from 4 submitters: Likely benign (4). Last evaluated 2026-09-01.

Conditions:
WARS1-related disorder. Also called: WARS1-related condition.

Allele frequency attached by ClinVar (database versions not stated): 1000 Genomes Project 30x 0.00078; 1000 Genomes Project 0.00100; ExAC 0.00159; TOPMed 0.00163; gnomAD 0.00166; ESP Exome Variant Server 0.00231; gnomAD exomes 0.00245.
gnomAD v4.1: 3,785 of 1,614,178 alleles (0.23%); highest among the groups gnomAD compares: Non-Finnish European, 0.28%; 6 homozygotes.

Submissions (4):

PreventionGenetics, part of Exact Sciences
Classification: Likely benign for WARS1-related condition. Last evaluated: 2026-09-01. Review status: criteria provided, single submitter. Criteria: ACMG Guidelines, 2015. Collection method: clinical testing. Allele origin: germline.
Comment: This variant is classified as likely benign based on ACMG/AMP sequence variant interpretation guidelines (Richards et al. 2015 PMID: 25741868, with internal and published modifications).

CeGaT Center for Human Genetics Tuebingen
Classification: Likely benign. Last evaluated: 2026-08-01. Review status: criteria provided, single submitter. Criteria: CeGaT Center For Human Genetics Tuebingen Variant Classification Criteria Version 2. Collection method: clinical testing. Allele origin: germline. Affected: yes. Observed: 6 variant alleles.
Comment: WARS1: BP4, BP7

Mayo Clinic Laboratories, Mayo Clinic
Classification: Likely benign. Last evaluated: 2025-03-10. Review status: criteria provided, single submitter. Criteria: ACMG Guidelines, 2015. Collection method: clinical testing. Allele origin: germline. Observed: 1 variant allele.
Comment: BP4, BP7

Blueprint Genetics
Classification: Likely benign. Last evaluated: 2024-11-25. Review status: criteria provided, single submitter. Criteria: ACMG Guidelines, 2015. Collection method: clinical testing. Allele origin: germline.

NM_004184.4(WARS1):c.162G>A (p.Ala54=)

Gene: WARS1 (tryptophanyl-tRNA synthetase 1; minus strand). Cytogenetic location: 14q32.2.
Variant type: single nucleotide variant.
Coding change: c.162G>A on transcript NM_004184.4 (MANE Select); coding-DNA position 162, G replaced by A.
Protein change: p.Ala54=; no amino-acid change (alanine 54 retained).
Molecular consequence: synonymous variant.
Genome position (GRCh38, 1-based): chr14:100,361,859, C>T on the plus strand (G>A on the coding strand, the complement: WARS1 is on the minus strand). VCF-style: chr14-100361859-C-T. GRCh37 (hg19) VCF-style: chr14-100828196-C-T.
Other names: p.Ala54=; c.162G>A (NM_004184.3); c.162G>A, p.Ala54= (NM_173701.2); c.39G>A, p.Ala13= (NM_213645.2, NM_213646.2).
Identifiers: ClinVar variation 2644534 (VCV002644534.27), dbSNP rs149405219, ClinGen allele CA7345355.